The following is an entry in ClinVar:

ClinVar aggregate classification (germline): Likely pathogenic (1 of 4 stars; one submission).

Conditions:
Mitochondrial complex II deficiency, nuclear type 1. Also called: SUCCINATE CoQ REDUCTASE DEFICIENCY. Identifiers: Orphanet 3208, MedGen C5700310, MONDO:0100294, OMIM 252011.
Pheochromocytoma/paraganglioma syndrome 5. Also called: Paragangliomas 5; SDHA-Related Hereditary Paraganglioma-Pheochromocytoma Syndrome. Identifiers: Orphanet 29072, MedGen C3279992, MONDO:0013602, OMIM 614165.

Submission:

Labcorp Genetics (formerly Invitae), Labcorp
Classification: Likely pathogenic for Pheochromocytoma/paraganglioma syndrome 5; Mitochondrial complex II deficiency, nuclear type 1. Last evaluated: 2025-04-07. Review status: criteria provided, single submitter. Criteria: Invitae Variant Classification Sherloc (09022015). Collection method: clinical testing. Allele origin: germline.
Comment: This sequence change creates a premature translational stop signal (p.Gly590Alafs*55) in the SDHA gene. While this is not anticipated to result in nonsense mediated decay, it is expected to disrupt the last 75 amino acid(s) of the SDHA protein. This variant is not present in population databases (gnomAD no frequency). This variant has not been reported in the literature in individuals affected with SDHA-related conditions. ClinVar contains an entry for this variant (Variation ID: 472353). Algorithms developed to predict the effect of variants on gene product structure and function are not available or were not evaluated for this variant. Experimental studies have shown that this premature translational stop signal affects SDHA function (PMID: 21858060, 23043141, 25488574). This variant disrupts the C-terminus of the SDHA protein. Other variant(s) that disrupt this region (p.Tyr629Leufs*14) have been observed in individuals with SDHA-related conditions (internal data). This suggests that this may be a clinically significant region of the protein. In summary, the currently available evidence indicates that the variant is pathogenic, but additional data are needed to prove that conclusively. Therefore, this variant has been classified as Likely Pathogenic.

Literature cited by the submitters: PubMed 21858060; PubMed 23043141; PubMed 25488574.

NM_004168.4(SDHA):c.1769del (p.Gly590fs)

Gene: SDHA (succinate dehydrogenase complex flavoprotein subunit A; plus strand). Cytogenetic location: 5p15.33.
Variant type: Deletion.
Coding change: c.1769del on transcript NM_004168.4 (MANE Select); coding-DNA position 1769, one base deleted (G; older notation c.1769delG).
Protein change: p.Gly590fs; shifts the reading frame from glycine 590.
Molecular consequence: frameshift variant. On other transcripts: intron variant (1).
Genome position (GRCh38, 1-based): chr5:251,443, G deleted; the last of 4 consecutive G bases (chr5:251,440-251,443); deleting any one gives the same sequence. VCF-style (leftmost placement, unchanged base first): chr5-251439-CG-C. GRCh37 (hg19) VCF-style: chr5-251554-CG-C.
Other names: c.1625del, p.Gly542fs (NM_001294332.2); c.1552-2950del (NM_001330758.2); short protein forms G590fs, G542fs.
Identifiers: ClinVar variation 472353 (VCV000472353.9), dbSNP rs1554001958, ClinGen allele CA658657413.